The following is an entry in ClinVar:

ClinVar aggregate classification (germline): Conflicting classifications of pathogenicity. Review status: criteria provided, conflicting classifications (1 of 4 stars). 5 submissions from 5 submitters: Uncertain significance (4); Benign (1). Last evaluated 2025-09-23.

Conditions:
Lymphangiomyomatosis (LAM). Also called: Lymphangioleiomyomatosis, somatic; Lymphangioleiomyomatosis. Identifiers: Orphanet 538, MedGen C0751674, MONDO:0011705, OMIM 606690.
Isolated focal cortical dysplasia type II (FCORD2). Also called: Focal cortical dysplasia type II; CORTICAL DYSPLASIA OF TAYLOR. Identifiers: Orphanet 268994, MedGen C1846385, MONDO:0011818, OMIM 607341, HP:0032051.
Tuberous sclerosis 2 (TSC2). Identifiers: Orphanet 805, MedGen C1860707, MONDO:0013199, OMIM 613254.
Hereditary cancer-predisposing syndrome. Also called: Neoplastic Syndromes, Hereditary; Hereditary Cancer Syndrome; Tumor predisposition; Hereditary neoplastic syndrome. Identifiers: Orphanet 140162, MedGen C0027672, MeSH D009386, MONDO:0015356.
Tuberous sclerosis syndrome (TSC). Also called: Tuberous sclerosis; Tuberous Sclerosis Complex. Identifiers: Orphanet 805, MedGen C0041341, MONDO:0001734.

Allele frequency attached by ClinVar (database versions not stated): TOPMed below 0.00001; gnomAD 0.00001.
gnomAD v4.1: 18 of 1,612,916 alleles (0.0011%); highest among the groups gnomAD compares: Non-Finnish European, 0.0014%; no homozygotes.

Submissions (5):

Labcorp Genetics (formerly Invitae), Labcorp
Classification: Benign for Tuberous sclerosis 2. Last evaluated: 2025-09-23. Review status: criteria provided, single submitter. Criteria: Invitae Variant Classification Sherloc (09022015). Collection method: clinical testing. Allele origin: germline.

Ambry Genetics
Classification: Uncertain significance for Hereditary cancer-predisposing syndrome. Last evaluated: 2025-04-07. Review status: criteria provided, single submitter. Criteria: Ambry Variant Classification Scheme 2023. Collection method: clinical testing. Allele origin: germline.
Comment: The p.R976Q variant (also known as c.2927G>A), located in coding exon 25 of the TSC2 gene, results from a G to A substitution at nucleotide position 2927. The arginine at codon 976 is replaced by glutamine, an amino acid with highly similar properties. This amino acid position is highly conserved in available vertebrate species. In addition, this alteration is predicted to be deleterious by in silico analysis. Based on the available evidence, the clinical significance of this variant remains unclear.

Fulgent Genetics
Classification: Uncertain significance for Lymphangiomyomatosis; Isolated focal cortical dysplasia type II; Tuberous sclerosis 2. Last evaluated: 2024-06-14. Review status: criteria provided, single submitter. Criteria: ACMG Guidelines, 2015. Collection method: clinical testing. Allele origin: germline.

Color Diagnostics, LLC DBA Color Health
Classification: Uncertain significance for Tuberous sclerosis syndrome. Last evaluated: 2024-04-02. Review status: criteria provided, single submitter. Criteria: ACMG Guidelines, 2015. Collection method: clinical testing. Allele origin: germline.
Comment: This missense variant replaces arginine with glutamine at codon 976 of the TSC2 protein. Computational prediction suggests that this variant may not impact protein structure and function. To our knowledge, functional studies have not been reported for this variant. This variant has not been reported in individuals affected with tuberous sclerosis complex in the literature. This variant has been identified in 5/250650 chromosomes in the general population by the Genome Aggregation Database (gnomAD). The available evidence is insufficient to determine the role of this variant in disease conclusively. Therefore, this variant is classified as a Variant of Uncertain Significance.

All of Us Research Program, National Institutes of Health
Classification: Uncertain significance for Tuberous sclerosis syndrome. Last evaluated: 2023-11-30. Review status: criteria provided, single submitter. Criteria: ACMG Guidelines, 2015. Collection method: clinical testing. Allele origin: germline. Inheritance: Autosomal dominant inheritance. Observed: 3 variant alleles, 3 heterozygotes.
Comment: This study involves interpretation of variants in research participants for the purpose of population health screening. Participant phenotype was not available at the time of variant classification. Additional details can be found in publication PMID: 35346344, PMCID: PMC8962531

NM_000548.5(TSC2):c.2927G>A (p.Arg976Gln)

Gene: TSC2 (TSC complex subunit 2; plus strand). Cytogenetic location: 16p13.3.
Variant type: single nucleotide variant.
Coding change: c.2927G>A on transcript NM_000548.5 (MANE Select); coding-DNA position 2927, G replaced by A.
Protein change: p.Arg976Gln; replaces arginine 976 with glutamine.
Molecular consequence: missense variant. On other transcripts: intron variant (9).
Genome position (GRCh38, 1-based): chr16:2,077,687, G>A. VCF-style: chr16-2077687-G-A. GRCh37 (hg19) VCF-style: chr16-2127688-G-A.
Other names: c.2927G>A, p.Arg976Gln (NM_001114382.3); c.2837+1102G>A (NM_021055.3, NM_001370405.1, NM_001363528.2 and 2 more transcripts); c.2726+1102G>A (NM_001318827.2); c.2237+1102G>A (NM_001318831.2); c.2690+1102G>A (NM_001318829.2); c.2870+1102G>A (NM_001318832.2); short protein forms R976Q.
Identifiers: ClinVar variation 1036378 (VCV001036378.14), dbSNP rs779832805, ClinGen allele CA042821.